The following is an entry in ClinVar:

NM_001015877.2(PHF6):c.834+46T>C

Gene: PHF6 (PHD finger protein 6; plus strand). Cytogenetic location: Xq26.2.
Variant type: single nucleotide variant.
Coding change: c.834+46T>C on transcript NM_001015877.2 (MANE Select); 46 bases into the intron after coding-DNA position 834, T replaced by C.
Molecular consequence: intron variant. On other transcripts: missense variant (1).
Genome position (GRCh38, 1-based): chrX:134,415,166, T>C. VCF-style: chrX-134415166-T-C. GRCh37 (hg19) VCF-style: chrX-133549196-T-C.
Other names: c.883T>C, p.Cys295Arg (NM_032335.3); c.834+46T>C (NM_032458.3); short protein forms C295R.
Identifiers: ClinVar variation 4681084 (VCV004681084.1).

ClinVar aggregate classification (germline): Uncertain significance (1 of 4 stars; one submission).

Submission:

GeneDx
Classification: Uncertain significance. Last evaluated: 2025-06-30. Review status: criteria provided, single submitter. Criteria: GeneDx Variant Classification Process June 2021. Collection method: clinical testing. Allele origin: germline. Affected: yes.
Comment: Not observed at significant frequency in large population cohorts (gnomAD); In silico analysis suggests that this variant does not alter splicing; Has not been previously published as pathogenic or benign to our knowledge; Reported using an alternate transcript of the gene